The following is an entry in ClinVar:

NM_004434.3(EML1):c.1572C>T (p.Asn524=)

Gene: EML1 (EMAP like 1; plus strand). Cytogenetic location: 14q32.2.
Variant type: single nucleotide variant.
Coding change: c.1572C>T on transcript NM_004434.3 (MANE Select); coding-DNA position 1572, C replaced by T.
Protein change: p.Asn524=; no amino-acid change (asparagine 524 retained).
Molecular consequence: synonymous variant.
Genome position (GRCh38, 1-based): chr14:99,914,256, C>T. VCF-style: chr14-99914256-C-T. GRCh37 (hg19) VCF-style: chr14-100380593-C-T.
Other names: c.1629C>T, p.Asn543= (NM_001008707.2); c.1533C>T, p.Asn511= (NM_001375411.1, NM_001440377.1); c.1572C>T, p.Asn524= (NM_001375412.1); c.1590C>T, p.Asn530= (NM_001440375.1, NM_001440376.1).
Identifiers: ClinVar variation 5002067 (VCV005002067.1).

ClinVar aggregate classification (germline): Likely benign (1 of 4 stars; one submission).

Conditions:
EML1-related disorder. Also called: EML1-related condition.

gnomAD v4.1: 4 of 1,613,892 alleles (0.00025%); highest among the groups gnomAD compares: African/African-American, 0.0053%; no homozygotes.

Submission:

PreventionGenetics, part of Exact Sciences
Classification: Likely benign for EML1-related condition. Last evaluated: 2024-10-08. Review status: criteria provided, single submitter. Criteria: ACMG Guidelines, 2015. Collection method: clinical testing. Allele origin: germline.
Comment: This variant is classified as likely benign based on ACMG/AMP sequence variant interpretation guidelines (Richards et al. 2015 PMID: 25741868, with internal and published modifications).